The following is an entry in ClinVar:

NM_203446.3(SYNJ1):c.1886C>T (p.Ala629Val)

Gene: SYNJ1 (synaptojanin 1; minus strand). Cytogenetic location: 21q22.11.
Variant type: single nucleotide variant.
Coding change: c.1886C>T on transcript NM_203446.3 (MANE Select); coding-DNA position 1886, C replaced by T.
Protein change: p.Ala629Val; replaces alanine 629 with valine.
Molecular consequence: missense variant.
Genome position (GRCh38, 1-based): chr21:32,666,499, G>A on the plus strand (C>T on the coding strand, the complement: SYNJ1 is on the minus strand). VCF-style: chr21-32666499-G-A. GRCh37 (hg19) VCF-style: chr21-34038809-G-A.
Other names: c.1886C>T, p.Ala629Val (NM_001160302.2); c.1871C>T, p.Ala624Val (NM_001160306.2); c.2003C>T, p.Ala668Val (NM_003895.4); short protein forms A629V, A624V, A668V.
Identifiers: ClinVar variation 970028 (VCV000970028.10), dbSNP rs773372851, ClinGen allele CA10003782.

ClinVar aggregate classification (germline): Uncertain significance. Review status: criteria provided, multiple submitters, no conflicts (2 of 4 stars). 2 submissions from 2 submitters: Uncertain significance (2). Last evaluated 2022-12-21.

Conditions:
Early-onset Parkinson disease 20. Also called: PARKINSON DISEASE 20, AUTOSOMAL RECESSIVE EARLY-ONSET. Identifiers: Orphanet 391411, MedGen C3809824, MONDO:0014233, OMIM 615530.
Developmental and epileptic encephalopathy, 53. Also called: Epileptic encephalopathy, early infantile, 53. Identifiers: MedGen C4479313, MONDO:0033362, OMIM 617389.
Inborn genetic diseases. Identifiers: MedGen C0950123, MeSH D030342.

Allele frequency attached by ClinVar (database versions not stated): gnomAD exomes below 0.00001 and 0.00001; ExAC 0.00001.
gnomAD v4.1: 2 of 1,614,112 alleles (0.00012%); highest among the groups gnomAD compares: Admixed American, 0.0033%; no homozygotes.

Submissions (2):

Ambry Genetics
Classification: Uncertain significance for Inborn genetic diseases. Last evaluated: 2022-12-21. Review status: criteria provided, single submitter. Criteria: Ambry Variant Classification Scheme 2023. Collection method: clinical testing. Allele origin: germline.

Labcorp Genetics (formerly Invitae), Labcorp
Classification: Uncertain significance for Developmental and epileptic encephalopathy, 53; Early-onset Parkinson disease 20. Last evaluated: 2022-07-07. Review status: criteria provided, single submitter. Criteria: Invitae Variant Classification Sherloc (09022015). Collection method: clinical testing. Allele origin: germline.
Comment: In summary, the available evidence is currently insufficient to determine the role of this variant in disease. Therefore, it has been classified as a Variant of Uncertain Significance. Algorithms developed to predict the effect of sequence changes on RNA splicing suggest that this variant may create or strengthen a splice site. Algorithms developed to predict the effect of missense changes on protein structure and function are either unavailable or do not agree on the potential impact of this missense change (SIFT: "Tolerated"; PolyPhen-2: "Probably Damaging"; Align-GVGD: "Class C0"). ClinVar contains an entry for this variant (Variation ID: 970028). This variant has not been reported in the literature in individuals affected with SYNJ1-related conditions. This variant is present in population databases (rs773372851, gnomAD 0.006%). This sequence change replaces alanine, which is neutral and non-polar, with valine, which is neutral and non-polar, at codon 668 of the SYNJ1 protein (p.Ala668Val).